The following is an entry in ClinVar:

ClinVar aggregate classification (germline): Likely benign (0 of 4 stars; one submission).

Conditions:
FAT3-related disorder. Also called: FAT3-related condition.

Allele frequency attached by ClinVar (database versions not stated): TOPMed below 0.00001; gnomAD 0.00001; gnomAD exomes 0.00003; ExAC 0.00007.
gnomAD v4.1: 50 of 1,613,204 alleles (0.0031%); highest among the groups gnomAD compares: South Asian, 0.055%; no homozygotes.

Submission:

PreventionGenetics, part of Exact Sciences
Classification: Likely benign for FAT3-related condition. Last evaluated: 2019-02-20. Review status: no assertion criteria provided. Collection method: clinical testing. Allele origin: germline.
Comment: This variant is classified as likely benign based on ACMG/AMP sequence variant interpretation guidelines (Richards et al. 2015 PMID: 25741868, with internal and published modifications).

NM_001367949.2(FAT3):c.9957A>G (p.Pro3319=)

Gene: FAT3 (FAT atypical cadherin 3; plus strand). Cytogenetic location: 11q14.3.
Variant type: single nucleotide variant.
Coding change: c.9957A>G on transcript NM_001367949.2 (MANE Select); coding-DNA position 9957, A replaced by G.
Protein change: p.Pro3319=; no amino-acid change (proline 3319 retained).
Molecular consequence: synonymous variant.
Genome position (GRCh38, 1-based): chr11:92,834,955, A>G. VCF-style: chr11-92834955-A-G. GRCh37 (hg19) VCF-style: chr11-92568121-A-G.
Other names: c.9957A>G, p.Pro3319= (NM_001008781.3).
Identifiers: ClinVar variation 3049958 (VCV003049958.2), dbSNP rs768567613, ClinGen allele CA6227948.